The following is an entry in ClinVar:

NM_033026.6(PCLO):c.12633C>G (p.Asp4211Glu)

Gene: PCLO (piccolo presynaptic cytomatrix protein; minus strand). Cytogenetic location: 7q21.11.
Variant type: single nucleotide variant.
Coding change: c.12633C>G on transcript NM_033026.6 (MANE Select); coding-DNA position 12633, C replaced by G.
Protein change: p.Asp4211Glu; replaces aspartic acid 4211 with glutamic acid.
Molecular consequence: missense variant.
Genome position (GRCh38, 1-based): chr7:82,915,353, G>C on the plus strand (C>G on the coding strand, the complement: PCLO is on the minus strand). VCF-style: chr7-82915353-G-C. GRCh37 (hg19) VCF-style: chr7-82544669-G-C.
Other names: c.12633C>G, p.Asp4211Glu (NM_014510.3); short protein forms D4211E.
Identifiers: ClinVar variation 1900508 (VCV001900508.5), dbSNP rs1304636387, ClinGen allele CA367887047.

ClinVar aggregate classification (germline): Uncertain significance (1 of 4 stars; one submission).

Allele frequency attached by ClinVar (database versions not stated): gnomAD exomes below 0.00001; TOPMed below 0.00001; gnomAD 0.00001.
gnomAD v4.1: 7 of 1,613,122 alleles (0.00043%); highest among the groups gnomAD compares: Non-Finnish European, 0.00042%; no homozygotes.

Submission:

Labcorp Genetics (formerly Invitae), Labcorp
Classification: Uncertain significance. Last evaluated: 2024-11-07. Review status: criteria provided, single submitter. Criteria: Invitae Variant Classification Sherloc (09022015). Collection method: clinical testing. Allele origin: germline.
Comment: This sequence change replaces aspartic acid, which is acidic and polar, with glutamic acid, which is acidic and polar, at codon 4211 of the PCLO protein (p.Asp4211Glu). This variant is present in population databases (no rsID available, gnomAD 0.0009%). This variant has not been reported in the literature in individuals affected with PCLO-related conditions. ClinVar contains an entry for this variant (Variation ID: 1900508). Experimental studies and prediction algorithms are not available or were not evaluated, and the functional significance of this variant is currently unknown. In summary, the available evidence is currently insufficient to determine the role of this variant in disease. Therefore, it has been classified as a Variant of Uncertain Significance.